The following is an entry in ClinVar:

NM_030930.4(UNC93B1):c.907-5C>T

Gene: UNC93B1 (unc-93B1 regulator of TLR signaling; minus strand). Cytogenetic location: 11q13.2.
Variant type: single nucleotide variant.
Coding change: c.907-5C>T on transcript NM_030930.4 (MANE Select); 5 bases into the intron before coding-DNA position 907, C replaced by T.
Molecular consequence: intron variant.
Genome position (GRCh38, 1-based): chr11:67,996,789, G>A on the plus strand (C>T on the coding strand, the complement: UNC93B1 is on the minus strand). VCF-style: chr11-67996789-G-A. GRCh37 (hg19) VCF-style: chr11-67764260-G-A.
Identifiers: ClinVar variation 537924 (VCV000537924.36), dbSNP rs144979304, ClinGen allele CA6145463.

ClinVar aggregate classification (germline): Benign/Likely benign. Review status: criteria provided, multiple submitters, no conflicts (2 of 4 stars). 3 submissions from 3 submitters: Benign (1); Likely benign (2). Last evaluated 2026-03-01.

Conditions:
Encephalopathy, acute, infection-induced (herpes-specific), susceptibility to, 1. Also called: Herpes simplex encephalitis, susceptibility to, 1. Identifiers: Orphanet 1930, MedGen C2750180, MONDO:0024563, OMIM 610551.

Allele frequency attached by ClinVar (database versions not stated): 1000 Genomes Project 30x 0.00125; TOPMed 0.00279; gnomAD exomes 0.00364; 1000 Genomes Project 0.00140; ESP Exome Variant Server 0.00306; ExAC 0.00816; gnomAD 0.00312 and 0.00332.
gnomAD v4.1: 5,882 of 1,539,932 alleles (0.38%); highest among the groups gnomAD compares: Non-Finnish European, 0.4%; 23 homozygotes.

Submissions (3):

CeGaT Center for Human Genetics Tuebingen
Classification: Likely benign. Last evaluated: 2026-03-01. Review status: criteria provided, single submitter. Criteria: CeGaT Center For Human Genetics Tuebingen Variant Classification Criteria Version 2. Collection method: clinical testing. Allele origin: germline. Affected: yes. Observed: 6 variant alleles.
Comment: UNC93B1: BP4, BS2

Labcorp Genetics (formerly Invitae), Labcorp
Classification: Benign for Encephalopathy, acute, infection-induced (herpes-specific), susceptibility to, 1. Last evaluated: 2026-02-02. Review status: criteria provided, single submitter. Criteria: Invitae Variant Classification Sherloc (09022015). Collection method: clinical testing. Allele origin: germline.

Blueprint Genetics
Classification: Likely benign. Last evaluated: 2024-11-27. Review status: criteria provided, single submitter. Criteria: ACMG Guidelines, 2015. Collection method: clinical testing. Allele origin: germline.